The following is an entry in ClinVar:

ClinVar aggregate classification (germline): Uncertain significance. Review status: criteria provided, multiple submitters, no conflicts (2 of 4 stars). 2 submissions from 2 submitters: Uncertain significance (2). Last evaluated 2021-09-18.

Conditions:
Hereditary cancer-predisposing syndrome. Also called: Tumor predisposition; Neoplastic Syndromes, Hereditary; Hereditary Cancer Syndrome; Hereditary neoplastic syndrome. Identifiers: Orphanet 140162, MedGen C0027672, MeSH D009386, MONDO:0015356.
Parathyroid carcinoma (PRTC). Also called: CDC73-Related Parathyroid Carcinoma; Parathyroid gland carcinoma. Identifiers: Orphanet 143, MedGen C0687150, MONDO:0012004, OMIM 608266, HP:0006780.

Submissions (2):

Labcorp Genetics (formerly Invitae), Labcorp
Classification: Uncertain significance for Parathyroid carcinoma. Last evaluated: 2021-09-18. Review status: criteria provided, single submitter. Criteria: Invitae Variant Classification Sherloc (09022015). Collection method: clinical testing. Allele origin: germline.
Comment: In summary, the available evidence is currently insufficient to determine the role of this variant in disease. Therefore, it has been classified as a Variant of Uncertain Significance. Algorithms developed to predict the effect of missense changes on protein structure and function are either unavailable or do not agree on the potential impact of this missense change (SIFT: "Tolerated"; PolyPhen-2: "Possibly Damaging"; Align-GVGD: "Class C0"). This variant has not been reported in the literature in individuals affected with CDC73-related conditions. This variant is not present in population databases (ExAC no frequency). This sequence change replaces aspartic acid with histidine at codon 294 of the CDC73 protein (p.Asp294His). The aspartic acid residue is highly conserved and there is a moderate physicochemical difference between aspartic acid and histidine.

Ambry Genetics
Classification: Uncertain significance for Hereditary cancer-predisposing syndrome. Last evaluated: 2020-10-11. Review status: criteria provided, single submitter. Criteria: Ambry Variant Classification Scheme 2023. Collection method: clinical testing. Allele origin: germline.
Comment: The p.D294H variant (also known as c.880G>C), located in coding exon 9 of the CDC73 gene, results from a G to C substitution at nucleotide position 880. The aspartic acid at codon 294 is replaced by histidine, an amino acid with similar properties. This amino acid position is highly conserved in available vertebrate species. In addition, this alteration is predicted to be deleterious by in silico analysis. Since supporting evidence is limited at this time, the clinical significance of this alteration remains unclear.

NM_024529.5(CDC73):c.880G>C (p.Asp294His)

Gene: CDC73 (cell division cycle 73; plus strand). Cytogenetic location: 1q31.2.
Variant type: single nucleotide variant.
Coding change: c.880G>C on transcript NM_024529.5 (MANE Select); coding-DNA position 880, G replaced by C.
Protein change: p.Asp294His; replaces aspartic acid 294 with histidine.
Molecular consequence: missense variant.
Genome position (GRCh38, 1-based): chr1:193,150,355, G>C. VCF-style: chr1-193150355-G-C. GRCh37 (hg19) VCF-style: chr1-193119485-G-C.
Other names: short protein forms D294H.
Identifiers: ClinVar variation 1382055 (VCV001382055.8), dbSNP rs2103132225, ClinGen allele CA343965093.